The following is an entry in ClinVar:

ClinVar aggregate classification (germline): Uncertain significance (1 of 4 stars; one submission).

Conditions:
Immunodeficiency due to CD25 deficiency. Also called: CD25 DEFICIENCY; IMMUNODEFICIENCY 41 WITH LYMPHOPROLIFERATION AND AUTOIMMUNITY; IL2RA DEFICIENCY. Identifiers: Orphanet 169100, MedGen C1853392, MONDO:0011664, OMIM 606367.

Submission:

Labcorp Genetics (formerly Invitae), Labcorp
Classification: Uncertain significance for Immunodeficiency due to CD25 deficiency. Last evaluated: 2025-10-14. Review status: criteria provided, single submitter. Criteria: Invitae Variant Classification Sherloc (09022015). Collection method: clinical testing. Allele origin: germline.
Comment: This sequence change replaces cysteine, which is neutral and slightly polar, with phenylalanine, which is neutral and non-polar, at codon 19 of the IL2RA protein (p.Cys19Phe). This variant is present in population databases (rs764712311, gnomAD 0.006%). This variant has not been reported in the literature in individuals affected with IL2RA-related conditions. Invitae Evidence Modeling of protein sequence and biophysical properties (such as structural, functional, and spatial information, amino acid conservation, physicochemical variation, residue mobility, and thermodynamic stability) indicates that this missense variant is not expected to disrupt IL2RA protein function with a negative predictive value of 80%. In summary, the available evidence is currently insufficient to determine the role of this variant in disease. Therefore, it has been classified as a Variant of Uncertain Significance.

NM_000417.3(IL2RA):c.56G>T (p.Cys19Phe)

Genes: IL2RA (interleukin 2 receptor subunit alpha; minus strand), LOC130003232 (ATAC-STARR-seq lymphoblastoid active region 2950; plus strand). Cytogenetic location: 10p15.1.
Variant type: single nucleotide variant.
Coding change: c.56G>T on transcript NM_000417.3 (MANE Select); coding-DNA position 56, G replaced by T.
Protein change: p.Cys19Phe; replaces cysteine 19 with phenylalanine.
Molecular consequence: missense variant.
Genome position (GRCh38, 1-based): chr10:6,062,096, C>A on the plus strand (G>T on the coding strand, the complement: IL2RA is on the minus strand). VCF-style: chr10-6062096-C-A. GRCh37 (hg19) VCF-style: chr10-6104059-C-A.
Other names: c.56G>T, p.Cys19Phe (NM_001308242.2, NM_001308243.2); short protein forms C19F.
Identifiers: ClinVar variation 4798107 (VCV004798107.1).